The following is an entry in ClinVar:

NM_001267550.2(TTN):c.25360G>T (p.Val8454Leu)

Gene: TTN (titin; minus strand). Cytogenetic location: 2q31.2.
Variant type: single nucleotide variant.
Coding change: c.25360G>T on transcript NM_001267550.2 (MANE Select); coding-DNA position 25360, G replaced by T.
Protein change: p.Val8454Leu; replaces valine 8454 with leucine.
Molecular consequence: missense variant. On other transcripts: intron variant (3).
Genome position (GRCh38, 1-based): chr2:178,717,374, C>A on the plus strand (G>T on the coding strand, the complement: TTN is on the minus strand). VCF-style: chr2-178717374-C-A. GRCh37 (hg19) VCF-style: chr2-179582101-C-A.
Other names: c.24409G>T, p.Val8137Leu (NM_001256850.1); c.21628G>T, p.Val7210Leu (NM_133378.4); c.13282+20708G>T (NM_003319.4); c.13858+20708G>T (NM_133437.4); c.13657+20708G>T (NM_133432.3); short protein forms V8454L, V7210L, V8137L.
Identifiers: ClinVar variation 4986963 (VCV004986963.1).

ClinVar aggregate classification (germline): Uncertain significance (1 of 4 stars; one submission).

Conditions:
TTN-related disorder. Also called: TTN-related disorders; TTN-related condition; TTN-related disease.

gnomAD v4.1: 1 of 1,605,396 alleles (0.000062%); highest among the groups gnomAD compares: Non-Finnish European, 0.000085%; no homozygotes.

Submission:

PreventionGenetics, part of Exact Sciences
Classification: Uncertain significance for TTN-related condition. Last evaluated: 2026-03-11. Review status: criteria provided, single submitter. Criteria: ACMG Guidelines, 2015. Collection method: clinical testing. Allele origin: germline.
Comment: The TTN c.25360G>T variant is predicted to result in the amino acid substitution p.Val8454Leu. To our knowledge, this variant has not been reported in the literature or in a large population database (gnomAD), indicating this variant is rare. At this time, the clinical significance of this variant is uncertain due to the absence of conclusive functional and genetic evidence.